The following is an entry in ClinVar:

NM_000238.4(KCNH2):c.1990C>T (p.Gln664Ter)

Gene: KCNH2 (potassium voltage-gated channel subfamily H member 2; minus strand). Cytogenetic location: 7q36.1.
Variant type: single nucleotide variant.
Coding change: c.1990C>T on transcript NM_000238.4 (MANE Select); coding-DNA position 1990, C replaced by T.
Protein change: p.Gln664Ter; replaces glutamine 664 with a stop codon.
Molecular consequence: nonsense. On other transcripts: non-coding transcript variant (2).
Genome position (GRCh38, 1-based): chr7:150,951,076, G>A on the plus strand (C>T on the coding strand, the complement: KCNH2 is on the minus strand). VCF-style: chr7-150951076-G-A. GRCh37 (hg19) VCF-style: chr7-150648164-G-A.
Other names: c.970C>T, p.Gln324Ter (NM_001204798.2, NM_172057.3); c.1702C>T, p.Gln568Ter (NM_001406753.1, NM_001406756.1); c.1813C>T, p.Gln605Ter (NM_001406755.1); c.1690C>T, p.Gln564Ter (NM_001406757.1); c.1990C>T, p.Gln664Ter (NM_172056.3); short protein forms Q324*, Q564*, Q568*, Q605*, Q664*.
Identifiers: ClinVar variation 3386898 (VCV003386898.2).

ClinVar aggregate classification (germline): Pathogenic. Review status: criteria provided, multiple submitters, no conflicts (2 of 4 stars). 2 submissions from 2 submitters: Pathogenic (2). Last evaluated 2026-01-27.

Conditions:
Long QT syndrome (LQTS). Identifiers: MedGen C0023976, MeSH D008133, MONDO:0002442. Disease mechanism: loss of function. Inheritance: Various modes of inheritance.

Submissions (2):

Labcorp Genetics (formerly Invitae), Labcorp
Classification: Pathogenic for Long QT syndrome. Last evaluated: 2026-01-27. Review status: criteria provided, single submitter. Criteria: Invitae Variant Classification Sherloc (09022015). Collection method: clinical testing. Allele origin: germline.
Comment: This sequence change creates a premature translational stop signal (p.Gln664*) in the KCNH2 gene. It is expected to result in an absent or disrupted protein product. Loss-of-function variants in KCNH2 are known to be pathogenic (PMID: 10973849, 19862833). This variant is not present in population databases (gnomAD no frequency). This premature translational stop signal has been observed in individual(s) with clinical features of long QT syndrome (PMID: 26669661). ClinVar contains an entry for this variant (Variation ID: 3386898). For these reasons, this variant has been classified as Pathogenic.

All of Us Research Program, National Institutes of Health
Classification: Pathogenic for Long QT syndrome. Last evaluated: 2024-08-07. Review status: criteria provided, single submitter. Criteria: ACMG Guidelines, 2015. Collection method: clinical testing. Allele origin: germline. Inheritance: Autosomal dominant inheritance. Observed: 1 variant allele, 1 heterozygote.
Comment: The c.1990C>T (p.Gln664*) variant in the KCNH2 gene is located on the exon 8 and introduces a premature translation termination codon (p.Gln664*), resulting in an absent or disrupted protein product. The variant has been identified in two unrelated individuals with long QT syndrome (PMID: 26669661, 32893267). Alternative truncating variants in the same exon (p.Ser668*, p.Gln695*) have been interpreted as likely pathogenic/pathogenic (ClinVar ID: 620172, 420923). Loss-of-function variants in KCNH2 are known to be pathogenic (PMID: 19716085, 18774102, 24530480). The variant is not reported in ClinVar. The variant is absent in the general population database (gnomAD). Therefore, the c.1990C>T (p.Gln664*) variant of KCNH2 has been classified as pathogenic.

This study involves interpretation of variants in research participants for the purpose of population health screening. Participant phenotype was not available at the time of variant classification. Additional details can be found in publication PMID: 35346344, PMCID: PMC8962531

Literature cited by the submitters: PubMed 10973849 (cited by Labcorp Genetics (formerly Invitae), Labcorp); PubMed 19862833 (cited by Labcorp Genetics (formerly Invitae), Labcorp); PubMed 26669661 (cited by Labcorp Genetics (formerly Invitae), Labcorp and All of Us Research Program, National Institutes of Health); PubMed 18774102 (cited by All of Us Research Program, National Institutes of Health); PubMed 19716085 (cited by All of Us Research Program, National Institutes of Health); PubMed 24530480 (cited by All of Us Research Program, National Institutes of Health); PubMed 32893267 (cited by All of Us Research Program, National Institutes of Health).